The following is an entry in ClinVar:

NC_000003.11:g.(?_197395737)_(197420688_197421245)dup

Gene: RUBCN (rubicon autophagy regulator; minus strand). Cytogenetic location: 3q29.
Variant type: Duplication.
Identifiers: ClinVar variation 3769227 (VCV003769227.2).

ClinVar aggregate classification (germline): Uncertain significance (1 of 4 stars; one submission).

Submission:

Women's Health and Genetics/Laboratory Corporation of America, LabCorp
Classification: Uncertain significance. Last evaluated: 2025-01-07. Review status: criteria provided, single submitter. Criteria: LabCorp Variant Classification Summary - May 2015. Collection method: clinical testing. Allele origin: germline.
Comment: Variant summary: The variant involves the duplication of exons 11-20 in the RUBCN gene. A presumed nomenclature of c.(1684+1_1685-1)_(*6152_?)dup has been designated for the purposes of this classification. The exact breakpoint at the 3' end of this variant is unknown, therefore this duplication may extend downstream of the annotated region of the gene. As it duplicates the termination codon, its effect on the encoded protein is unknown. The variant was absent in 21554 control chromosomes. The available data on variant occurrences in the general population are insufficient to allow any conclusion about variant significance. To our knowledge, no occurrence of c.(1684+1_1685-1)_(*6152_?)dup in individuals affected with Autosomal Recessive Spinocerebellar Ataxia 15 and no experimental evidence demonstrating its impact on protein function have been reported. No submitters have cited clinical-significance assessments for this variant to ClinVar. Based on the evidence outlined above, the variant was classified as uncertain significance.